The following is an entry in ClinVar:

ClinVar aggregate classification (germline): Conflicting classifications of pathogenicity. Review status: criteria provided, conflicting classifications (1 of 4 stars). 2 submissions from 2 submitters: Uncertain significance (1); Likely benign (1). Last evaluated 2023-03-23.

Conditions:
Hereditary cancer-predisposing syndrome. Also called: Hereditary neoplastic syndrome; Neoplastic Syndromes, Hereditary; Tumor predisposition; Hereditary Cancer Syndrome. Identifiers: Orphanet 140162, MedGen C0027672, MeSH D009386, MONDO:0015356.

Submissions (2):

University of Washington Department of Laboratory Medicine, University of Washington
Classification: Likely benign for Hereditary cancer-predisposing syndrome. Last evaluated: 2023-03-23. Review status: criteria provided, single submitter. Criteria: Dines et al. (Genet Med. 2020). Collection method: curation. Allele origin: germline.
Comment: Missense variant in a coldspot region where missense variants are very unlikely to be pathogenic (PMID:31911673).

BRCA1 coldspot (exon 11 using historical exon numbering). Reclassification based on statistical prior probability

Women's Health and Genetics/Laboratory Corporation of America, LabCorp
Classification: Uncertain significance. Last evaluated: 2022-03-19. Review status: criteria provided, single submitter. Criteria: LabCorp Variant Classification Summary - May 2015. Collection method: clinical testing. Allele origin: germline.

NM_007294.4(BRCA1):c.2795T>C (p.Val932Ala)

Gene: BRCA1 (BRCA1 DNA repair associated; minus strand). Cytogenetic location: 17q21.31.
Variant type: single nucleotide variant.
Coding change: c.2795T>C on transcript NM_007294.4 (MANE Select); coding-DNA position 2795, T replaced by C.
Protein change: p.Val932Ala; replaces valine 932 with alanine.
Molecular consequence: missense variant. On other transcripts: intron variant (137).
Genome position (GRCh38, 1-based): chr17:43,092,736, A>G on the plus strand (T>C on the coding strand, the complement: BRCA1 is on the minus strand). VCF-style: chr17-43092736-A-G. GRCh37 (hg19) VCF-style: chr17-41244753-A-G.
Other names: c.2582T>C, p.Val861Ala (NM_001407571.1, NM_001407853.1, NM_001407894.1 and 9 more transcripts); c.2795T>C, p.Val932Ala (NM_001407581.1, NM_001407582.1, NM_001407583.1 and 30 more transcripts); c.2792T>C, p.Val931Ala (NM_001407587.1, NM_001407590.1, NM_001407591.1 and 22 more transcripts); c.2786T>C, p.Val929Ala (NM_001407646.1, NM_001407647.1); c.2672T>C, p.Val891Ala (NM_001407648.1, NM_001407664.1, NM_001407665.1 and 19 more transcripts); c.2669T>C, p.Val890Ala (NM_001407649.1, NM_001407670.1, NM_001407671.1 and 11 more transcripts); c.2717T>C, p.Val906Ala (NM_001407653.1, NM_001407654.1, NM_001407655.1 and 4 more transcripts); c.2714T>C, p.Val905Ala (NM_001407659.1, NM_001407660.1, NM_001407661.1 and 1 more transcripts); and 41 more; short protein forms V885A, V932A, V861A, V864A, V931A, V636A, V804A, V764A.
Identifiers: ClinVar variation 1677157 (VCV001677157.4), dbSNP rs2154359210, ClinGen allele CA10596405.